The following is an entry in ClinVar:

ClinVar aggregate classification (germline): Uncertain significance. Review status: criteria provided, multiple submitters, no conflicts (2 of 4 stars). 2 submissions from 2 submitters: Uncertain significance (2). Last evaluated 2025-12-02.

Conditions:
DICER1-related tumor predisposition. Also called: DICER1-related pleuropulmonary blastoma cancer predisposition syndrome; DICER1 syndrome. Identifiers: Orphanet 284343, MedGen C3839822, MONDO:0100216.
Hereditary cancer-predisposing syndrome. Also called: Hereditary neoplastic syndrome; Neoplastic Syndromes, Hereditary; Tumor predisposition; Hereditary Cancer Syndrome. Identifiers: Orphanet 140162, MedGen C0027672, MeSH D009386, MONDO:0015356.

Allele frequency attached by ClinVar (database versions not stated): gnomAD exomes below 0.00001; gnomAD 0.00001; TOPMed 0.00002.
gnomAD v4.1: 3 of 1,614,110 alleles (0.00019%); highest among the groups gnomAD compares: African/African-American, 0.0027%; no homozygotes.

Submissions (2):

Labcorp Genetics (formerly Invitae), Labcorp
Classification: Uncertain significance for DICER1-related tumor predisposition. Last evaluated: 2025-12-02. Review status: criteria provided, single submitter. Criteria: Invitae Variant Classification Sherloc (09022015). Collection method: clinical testing. Allele origin: germline.
Comment: This sequence change replaces glutamic acid, which is acidic and polar, with valine, which is neutral and non-polar, at codon 1519 of the DICER1 protein (p.Glu1519Val). This variant is not present in population databases (gnomAD no frequency). This variant has not been reported in the literature in individuals affected with DICER1-related conditions. ClinVar contains an entry for this variant (Variation ID: 412110). Invitae Evidence Modeling of protein sequence and biophysical properties (such as structural, functional, and spatial information, amino acid conservation, physicochemical variation, residue mobility, and thermodynamic stability) indicates that this missense variant is not expected to disrupt DICER1 protein function with a negative predictive value of 95%. In summary, the available evidence is currently insufficient to determine the role of this variant in disease. Therefore, it has been classified as a Variant of Uncertain Significance.

Ambry Genetics
Classification: Uncertain significance for Hereditary cancer-predisposing syndrome. Last evaluated: 2025-10-07. Review status: criteria provided, single submitter. Criteria: Ambry Variant Classification Scheme 2023. Collection method: clinical testing. Allele origin: germline.
Comment: The p.E1519V variant (also known as c.4556A>T), located in coding exon 22 of the DICER1 gene, results from an A to T substitution at nucleotide position 4556. The glutamic acid at codon 1519 is replaced by valine, an amino acid with dissimilar properties. This amino acid position is highly conserved in available vertebrate species. In addition, this alteration is predicted to be deleterious by in silico analysis. Since supporting evidence is limited at this time, the clinical significance of this alteration remains unclear.

NM_177438.3(DICER1):c.4556A>T (p.Glu1519Val)

Gene: DICER1 (dicer 1, ribonuclease III; minus strand). Cytogenetic location: 14q32.13.
Variant type: single nucleotide variant.
Coding change: c.4556A>T on transcript NM_177438.3 (MANE Select); coding-DNA position 4556, A replaced by T.
Protein change: p.Glu1519Val; replaces glutamic acid 1519 with valine.
Molecular consequence: missense variant.
Genome position (GRCh38, 1-based): chr14:95,096,364, T>A on the plus strand (A>T on the coding strand, the complement: DICER1 is on the minus strand). VCF-style: chr14-95096364-T-A. GRCh37 (hg19) VCF-style: chr14-95562701-T-A.
Other names: c.4556A>T, p.Glu1519Val (NM_001195573.1, NM_001271282.3, NM_001291628.2 and 1 more transcripts); short protein forms E1519V.
Identifiers: ClinVar variation 412110 (VCV000412110.18), dbSNP rs1060503622, ClinGen allele CA16614502.
Genomic context (GRCh38, chr14:95,096,364, plus strand): 5'-GTGTCAACACCACAGTTTTCTTCTGATGGATTCCAGAACCCCACCACAAAGTCATCTTCT[T>A]CAACAGCTTTGCTAGGATCCAGATAGCACATTGCATCCCAAGAGCTGTAGTCAAAATCCT-3'
Protein context (NP_803187.1, residues 1509-1529): MCYLDPSKAV[Glu1519Val]EDDFVVGFWN